The following is an entry in ClinVar:

NM_001024630.4(RUNX2):c.748G>C (p.Gly250Arg)

Gene: RUNX2 (RUNX family transcription factor 2; plus strand). Cytogenetic location: 6p21.1.
Variant type: single nucleotide variant.
Coding change: c.748G>C on transcript NM_001024630.4 (MANE Select); coding-DNA position 748, G replaced by C.
Protein change: p.Gly250Arg; replaces glycine 250 with arginine.
Molecular consequence: missense variant.
Genome position (GRCh38, 1-based): chr6:45,492,003, G>C. VCF-style: chr6-45492003-G-C. GRCh37 (hg19) VCF-style: chr6-45459740-G-C.
Other names: c.748G>C, p.Gly250Arg (NM_001015051.4); c.706G>C, p.Gly236Arg (NM_001278478.2, NM_001369405.1); short protein forms G236R, G250R.
Identifiers: ClinVar variation 4711338 (VCV004711338.1).

ClinVar aggregate classification (germline): Uncertain significance (1 of 4 stars; one submission).

Submission:

Labcorp Genetics (formerly Invitae), Labcorp
Classification: Uncertain significance. Last evaluated: 2025-10-20. Review status: criteria provided, single submitter. Criteria: Invitae Variant Classification Sherloc (09022015). Collection method: clinical testing. Allele origin: germline.
Comment: This sequence change replaces glycine, which is neutral and non-polar, with arginine, which is basic and polar, at codon 250 of the RUNX2 protein (p.Gly250Arg). This variant is not present in population databases (gnomAD no frequency). This variant has not been reported in the literature in individuals affected with RUNX2-related conditions. Invitae Evidence Modeling of protein sequence and biophysical properties (such as structural, functional, and spatial information, amino acid conservation, physicochemical variation, residue mobility, and thermodynamic stability) indicates that this missense variant is not expected to disrupt RUNX2 protein function with a negative predictive value of 80%. In summary, the available evidence is currently insufficient to determine the role of this variant in disease. Therefore, it has been classified as a Variant of Uncertain Significance.